The following is an entry in ClinVar:

NM_019098.5(CNGB3):c.1663-2660_1781+5516del

Gene: CNGB3 (cyclic nucleotide gated channel subunit beta 3; minus strand). Cytogenetic location: 8q21.3.
Variant type: Deletion.
Coding change: c.1663-2660_1781+5516del on transcript NM_019098.5 (MANE Select); 2660 bases into the intron before coding-DNA position 1663 through 5516 bases into the intron after coding-DNA position 1781, 8,295 bases deleted.
Molecular consequence: splice acceptor variant, splice donor variant.
Genome position (GRCh38, 1-based): chr8:86,598,577-86,606,871, 8,295 bases deleted. GRCh37 (hg19): chr8:87,610,806-87,619,100.
Identifiers: ClinVar variation 427720 (VCV000427720.1), ClinGen allele CA645372462.

ClinVar aggregate classification (germline): Pathogenic (0 of 4 stars; one submission).

Conditions:
Achromatopsia 3 (ACHM3). Also called: PINGELAPESE BLINDNESS; TOTAL COLORBLINDNESS WITH MYOPIA; ROD MONOCHROMACY 1; ROD MONOCHROMATISM 1; ACHROMATOPSIA WITH MYOPIA. Identifiers: Orphanet 49382, MedGen C1849792, MONDO:0009875, OMIM 262300.

Submission:

Molecular Genetics Laboratory, Institute for Ophthalmic Research
Classification: Pathogenic for ACHM3. Last evaluated: 2017-03-27. Review status: no assertion criteria provided. Collection method: research. Allele origin: germline. Affected: yes.
Comment: Deletion of exon 15

Literature cited by the submitters: PubMed 28795510.